The following is an entry in ClinVar:

NM_182548.4(LHFPL5):c.222del (p.Ser75fs)

Gene: LHFPL5 (LHFPL tetraspan subfamily member 5; plus strand). Cytogenetic location: 6p21.31.
Variant type: Deletion.
Coding change: c.222del on transcript NM_182548.4 (MANE Select); coding-DNA position 222, one base deleted (C; older notation c.222delC).
Protein change: p.Ser75fs; shifts the reading frame from serine 75.
Molecular consequence: frameshift variant.
Genome position (GRCh38, 1-based): chr6:35,805,892, C deleted; the last of 2 consecutive C bases (chr6:35,805,891-35,805,892); deleting either gives the same sequence. VCF-style (leftmost placement, unchanged base first): chr6-35805890-TC-T. GRCh37 (hg19) VCF-style: chr6-35773667-TC-T.
Other names: short protein forms S75fs.
Identifiers: ClinVar variation 3626351 (VCV003626351.2).

ClinVar aggregate classification (germline): Pathogenic (1 of 4 stars; one submission).

Submission:

Labcorp Genetics (formerly Invitae), Labcorp
Classification: Pathogenic. Last evaluated: 2024-08-29. Review status: criteria provided, single submitter. Criteria: Invitae Variant Classification Sherloc (09022015). Collection method: clinical testing. Allele origin: germline.
Comment: This sequence change creates a premature translational stop signal (p.Ser75Profs*10) in the LHFPL5 gene. It is expected to result in an absent or disrupted protein product. Loss-of-function variants in LHFPL5 are known to be pathogenic (PMID: 15905332, 16459341, 21816241). This variant is present in population databases (no rsID available, gnomAD 0.0009%). This variant has not been reported in the literature in individuals affected with LHFPL5-related conditions. Algorithms developed to predict the effect of sequence changes on RNA splicing suggest that this variant may create or strengthen a splice site. For these reasons, this variant has been classified as Pathogenic.

Literature cited by the submitters: PubMed 15905332; PubMed 16459341; PubMed 21816241.